The following is an entry in ClinVar:

ClinVar aggregate classification (germline): Likely pathogenic (1 of 4 stars; one submission).

Submission:

GeneDx
Classification: Likely pathogenic. Last evaluated: 2024-07-15. Review status: criteria provided, single submitter. Criteria: GeneDx Variant Classification Process June 2021. Collection method: clinical testing. Allele origin: germline. Affected: yes.
Comment: Nonsense variant predicted to result in protein truncation, as the last 205 amino acids are lost, and other loss-of-function variants have been reported downstream in HGMD; Not observed at significant frequency in large population cohorts (gnomAD); Has not been previously published as pathogenic or benign to our knowledge

NM_001394372.1(BICRA):c.4066_4075del (p.Pro1355_Thr1356insTer)

Gene: BICRA (BRD4 interacting chromatin remodeling complex associated protein; plus strand). Cytogenetic location: 19q13.33.
Variant type: Deletion.
Coding change: c.4066_4075del on transcript NM_001394372.1 (MANE Select); coding-DNA positions 4066 to 4075, 10 bases deleted (ACGGGCCAGA; older notation c.4066_4075delACGGGCCAGA).
Protein change: p.Pro1355_Thr1356insTer.
Molecular consequence: nonsense.
Genome position (GRCh38, 1-based): chr19:47,701,798-47,701,807, ACGGGCCAGA deleted. VCF-style (leftmost placement, unchanged base first): chr19-47701797-CACGGGCCAGA-C. GRCh37 (hg19) VCF-style: chr19-48205054-CACGGGCCAGA-C.
Other names: c.4066_4075del, p.Pro1355_Thr1356insTer (NM_015711.3).
Identifiers: ClinVar variation 3573543 (VCV003573543.1).
Genomic context (GRCh38, chr19:47,701,797, plus strand): 5'-ACCCCCCGCTACCCTCAAGGTGGCCGAGCCCCCGCCACGGCCGCCACCACCACCGCCGCC[CACGGGCCAGA>C]TGAACGGCACGGTGGACCACCCGCCGCCTGCCGCCCCCGAGCGCAAGCCCCTGGGCACCG-3'